The following is an entry in ClinVar:

ClinVar aggregate classification (germline): Uncertain significance (1 of 4 stars; one submission).

Submission:

Labcorp Genetics (formerly Invitae), Labcorp
Classification: Uncertain significance. Last evaluated: 2021-10-14. Review status: criteria provided, single submitter. Criteria: Invitae Variant Classification Sherloc (09022015). Collection method: clinical testing. Allele origin: germline.
Comment: In summary, the available evidence is currently insufficient to determine the role of this variant in disease. Therefore, it has been classified as a Variant of Uncertain Significance. Algorithms developed to predict the effect of missense changes on protein structure and function are either unavailable or do not agree on the potential impact of this missense change (SIFT: "Deleterious"; PolyPhen-2: "Probably Damaging"; Align-GVGD: "Class C0"). This variant has not been reported in the literature in individuals affected with MSH3-related conditions. This variant is not present in population databases (ExAC no frequency). This sequence change replaces threonine with alanine at codon 983 of the MSH3 protein (p.Thr983Ala). The threonine residue is moderately conserved and there is a small physicochemical difference between threonine and alanine.

NM_002439.5(MSH3):c.2947A>G (p.Thr983Ala)

Gene: MSH3 (mutS homolog 3; plus strand). Cytogenetic location: 5q14.1.
Variant type: single nucleotide variant.
Coding change: c.2947A>G on transcript NM_002439.5 (MANE Select); coding-DNA position 2947, A replaced by G.
Protein change: p.Thr983Ala; replaces threonine 983 with alanine.
Molecular consequence: missense variant.
Genome position (GRCh38, 1-based): chr5:80,854,263, A>G. VCF-style: chr5-80854263-A-G. GRCh37 (hg19) VCF-style: chr5-80150082-A-G.
Other names: short protein forms T983A.
Identifiers: ClinVar variation 1386905 (VCV001386905.6), dbSNP rs2112106571, ClinGen allele CA360275749.
Genomic context (GRCh38, chr5:80,854,263, plus strand): 5'-ATCAGAAAAGCAACATCACAGTCCTTGGTTATCTTGGATGAACTAGGAAGAGGGACGAGC[A>G]CTCATGATGGAATTGCCATTGCCTATGCTACACTTGAGTATTTCATCAGAGATGTAAGTA-3'
Protein context (NP_002430.3, residues 973-993): ILDELGRGTS[Thr983Ala]HDGIAIAYAT